The following is an entry in ClinVar:

ClinVar aggregate classification (germline): Uncertain significance. Review status: criteria provided, multiple submitters, no conflicts (2 of 4 stars). 2 submissions from 2 submitters: Uncertain significance (2). Last evaluated 2021-10-21.

Conditions:
Arthrogryposis multiplex congenita 6. Identifiers: MedGen C5543431, MONDO:0030281, OMIM 619334.
Nemaline myopathy 2 (NEM2). Also called: Nemaline myopathy 2, autosomal recessive. Identifiers: MedGen C1850569, MONDO:0009725, OMIM 256030.

gnomAD v4.1: 3 of 1,613,196 alleles (0.00019%); highest among the groups gnomAD compares: South Asian, 0.0033%; no homozygotes.

Submissions (2):

Fulgent Genetics
Classification: Uncertain significance for Nemaline myopathy 2; Arthrogryposis multiplex congenita 6. Last evaluated: 2021-10-21. Review status: criteria provided, single submitter. Criteria: ACMG Guidelines, 2015. Collection method: clinical testing. Allele origin: unknown.

Labcorp Genetics (formerly Invitae), Labcorp
Classification: Uncertain significance for Nemaline myopathy 2. Last evaluated: 2021-10-17. Review status: criteria provided, single submitter. Criteria: Invitae Variant Classification Sherloc (09022015). Collection method: clinical testing. Allele origin: germline.
Comment: This sequence change replaces phenylalanine with serine at codon 7429 of the NEB protein (p.Phe7429Ser). The phenylalanine residue is moderately conserved and there is a large physicochemical difference between phenylalanine and serine. This variant is not present in population databases (ExAC no frequency). This variant has not been reported in the literature in individuals with NEB-related disease. Algorithms developed to predict the effect of missense changes on protein structure and function are either unavailable or do not agree on the potential impact of this missense change (SIFT: "Deleterious"; PolyPhen-2: "Not Available"; Align-GVGD: "Class C0"). In summary, the available evidence is currently insufficient to determine the role of this variant in disease. Therefore, it has been classified as a Variant of Uncertain Significance.

NM_001164508.2(NEB):c.22181T>C (p.Phe7394Ser)

Genes: NEB (nebulin; minus strand), RIF1 (replication timing regulatory factor 1; plus strand). Cytogenetic location: 2q23.3.
Variant type: single nucleotide variant.
Coding change: c.22181T>C on transcript NM_001164508.2 (MANE Select); coding-DNA position 22181, T replaced by C.
Protein change: p.Phe7394Ser; replaces phenylalanine 7394 with serine.
Molecular consequence: missense variant.
Genome position (GRCh38, 1-based): chr2:151,525,254, A>G on the plus strand (T>C on the coding strand, the complement: NEB is on the minus strand). VCF-style: chr2-151525254-A-G. GRCh37 (hg19) VCF-style: chr2-152381768-A-G.
Other names: c.22181T>C, p.Phe7394Ser (NM_001164507.2); c.22286T>C, p.Phe7429Ser (NM_001271208.2); c.17078T>C, p.Phe5693Ser (NM_004543.5); short protein forms F5693S, F7429S, F7394S.
Identifiers: ClinVar variation 1515037 (VCV001515037.4), dbSNP rs2153447855, ClinGen allele CA348765769.